The following is an entry in ClinVar:

ClinVar aggregate classification (germline): Uncertain significance. Review status: criteria provided, multiple submitters, no conflicts (2 of 4 stars). 2 submissions from 2 submitters: Uncertain significance (2). Last evaluated 2024-11-07.

Conditions:
Inborn genetic diseases. Identifiers: MedGen C0950123, MeSH D030342.
Coffin-Lowry syndrome (CLS). Also called: COFFIN-LOWRY SYNDROME, MILD; Mental retardation with osteocartilaginous abnormalities. Identifiers: Orphanet 192, MedGen C0265252, MONDO:0010561, OMIM 303600.
Intellectual developmental disorder, X-linked 19. Also called: Intellectual disability, X-linked 19. Identifiers: Orphanet 777, MedGen C0796225, MONDO:0010447, OMIM 300844.

Allele frequency attached by ClinVar (database versions not stated): gnomAD exomes below 0.00001.
gnomAD v4.1: 3 of 1,209,451 alleles (0.00025%); highest among the groups gnomAD compares: African/African-American, 0.0017%; no homozygotes.

Submissions (2):

Labcorp Genetics (formerly Invitae), Labcorp
Classification: Uncertain significance for Coffin-Lowry syndrome; Intellectual developmental disorder, X-linked 19. Last evaluated: 2024-11-07. Review status: criteria provided, single submitter. Criteria: Invitae Variant Classification Sherloc (09022015). Collection method: clinical testing. Allele origin: germline.
Comment: This sequence change replaces alanine, which is neutral and non-polar, with threonine, which is neutral and polar, at codon 532 of the RPS6KA3 protein (p.Ala532Thr). This variant is not present in population databases (gnomAD no frequency). This variant has not been reported in the literature in individuals affected with RPS6KA3-related conditions. ClinVar contains an entry for this variant (Variation ID: 2260684). Invitae Evidence Modeling of protein sequence and biophysical properties (such as structural, functional, and spatial information, amino acid conservation, physicochemical variation, residue mobility, and thermodynamic stability) indicates that this missense variant is not expected to disrupt RPS6KA3 protein function with a negative predictive value of 95%. In summary, the available evidence is currently insufficient to determine the role of this variant in disease. Therefore, it has been classified as a Variant of Uncertain Significance.

Ambry Genetics
Classification: Uncertain significance for Inborn genetic diseases. Last evaluated: 2021-11-12. Review status: criteria provided, single submitter. Criteria: Ambry Variant Classification Scheme 2023. Collection method: clinical testing. Allele origin: germline.

NM_004586.3(RPS6KA3):c.1594G>A (p.Ala532Thr)

Gene: RPS6KA3 (ribosomal protein S6 kinase A3; minus strand). Cytogenetic location: Xp22.12.
Variant type: single nucleotide variant.
Coding change: c.1594G>A on transcript NM_004586.3 (MANE Select); coding-DNA position 1594, G replaced by A.
Protein change: p.Ala532Thr; replaces alanine 532 with threonine.
Molecular consequence: missense variant.
Genome position (GRCh38, 1-based): chrX:20,167,597, C>T on the plus strand (G>A on the coding strand, the complement: RPS6KA3 is on the minus strand). VCF-style: chrX-20167597-C-T. GRCh37 (hg19) VCF-style: chrX-20185715-C-T.
Other names: short protein forms A532T.
Identifiers: ClinVar variation 2260684 (VCV002260684.4), dbSNP rs1183435589, ClinGen allele CA412514667.